The following is an entry in ClinVar:

NM_033380.3(COL4A5):c.2217_2218delinsCT (p.Gly740Trp)

Gene: COL4A5 (collagen type IV alpha 5 chain; plus strand). Cytogenetic location: Xq22.3.
Variant type: Indel.
Coding change: c.2217_2218delinsCT on transcript NM_033380.3 (MANE Select); coding-DNA positions 2217 to 2218, TG replaced by CT.
Protein change: p.Gly740Trp; replaces glycine 740 with tryptophan.
Molecular consequence: missense variant.
Genome position (GRCh38, 1-based): chrX:108,603,034-108,603,035, TG replaced by CT. VCF-style: chrX-108603034-TG-CT. GRCh37 (hg19) VCF-style: chrX-107846264-TG-CT.
Other names: c.2217_2218delinsCT, p.Gly740Trp (NM_000495.5); short protein forms G740W.
Identifiers: ClinVar variation 2815126 (VCV002815126.3), dbSNP rs2524333322, ClinGen allele CA2739273711.

ClinVar aggregate classification (germline): Uncertain significance (1 of 4 stars; one submission).

Submission:

Labcorp Genetics (formerly Invitae), Labcorp
Classification: Uncertain significance. Last evaluated: 2023-06-03. Review status: criteria provided, single submitter. Criteria: Invitae Variant Classification Sherloc (09022015). Collection method: clinical testing. Allele origin: germline.
Comment: This variant disrupts the triple helix domain of COL4A5. Glycine residues within the Gly-Xaa-Yaa repeats of the triple helix domain are required for the structure and stability of fibrillar collagens (PMID: 7695699, 8218237, 19344236). In COL4A5, missense variants at these glycine residues are significantly enriched in individuals with disease (PMID: 23720012, 27627812) compared to the general population (ExAC). This variant disrupts the p.Gly740 amino acid residue in COL4A5. Other variant(s) that disrupt this residue have been observed in individuals with COL4A5-related conditions (PMID: 8648925), which suggests that this may be a clinically significant amino acid residue. In summary, the available evidence is currently insufficient to determine the role of this variant in disease. Therefore, it has been classified as a Variant of Uncertain Significance. This missense change has been observed in individual(s) with clinical features of Alport syndrome (Invitae). Information on the frequency of this variant in the gnomAD database is not available, as this variant may be reported differently in the database. This sequence change replaces glycine, which is neutral and non-polar, with tryptophan, which is neutral and slightly polar, at codon 740 of the COL4A5 protein (p.Gly740Trp).

Literature cited by the submitters: PubMed 7695699; PubMed 8218237; PubMed 19344236; PubMed 23720012; PubMed 27627812; PubMed 8648925.